The following is an entry in ClinVar:

NM_014712.3(SETD1A):c.4513A>G (p.Lys1505Glu)

Gene: SETD1A (SET domain containing 1A, histone lysine methyltransferase; plus strand). Cytogenetic location: 16p11.2.
Variant type: single nucleotide variant.
Coding change: c.4513A>G on transcript NM_014712.3 (MANE Select); coding-DNA position 4513, A replaced by G.
Protein change: p.Lys1505Glu; replaces lysine 1505 with glutamic acid.
Molecular consequence: missense variant.
Genome position (GRCh38, 1-based): chr16:30,980,589, A>G. VCF-style: chr16-30980589-A-G. GRCh37 (hg19) VCF-style: chr16-30991910-A-G.
Other names: short protein forms K1505E.
Identifiers: ClinVar variation 1342909 (VCV001342909.2), dbSNP rs2143588018, ClinGen allele CA395633381.

ClinVar aggregate classification (germline): Uncertain significance. Review status: criteria provided, multiple submitters, no conflicts (2 of 4 stars). 2 submissions from 2 submitters: Uncertain significance (2). Last evaluated 2025-12-17.

Conditions:
Neurodevelopmental disorder with speech impairment and dysmorphic facies. Identifiers: MedGen C5436699, MONDO:0033630, OMIM 619056.
Epilepsy, early-onset, with or without developmental delay. Identifiers: MedGen C5882670, MONDO:0030005, OMIM 618832.

Allele frequency attached by ClinVar (database versions not stated): gnomAD exomes below 0.00001.
gnomAD v4.1: 1 of 1,614,082 alleles (0.000062%); highest among the groups gnomAD compares: Non-Finnish European, 0.000085%; no homozygotes.

Submissions (2):

Victorian Clinical Genetics Services, Murdoch Childrens Research Institute
Classification: Uncertain significance for Neurodevelopmental disorder with speech impairment and dysmorphic facies. Last evaluated: 2025-12-17. Review status: criteria provided, single submitter. Criteria: ACMG Guidelines, 2015. Collection method: clinical testing. Allele origin: germline. Affected: yes.
Comment: This variant is classified as VUS-3B. Evidence in support of pathogenic classification: Variant is present in gnomAD <0.001 for a dominant condition (v4: 1 heterozygote(s), 0 homozygote(s)). Additional information: Variant is predicted to result in a missense amino acid change from Lys to Glu; This variant is heterozygous; This gene is associated with autosomal dominant disease; Previous evidence of pathogenicity for this variant is inconclusive. This variant has been classified as a VUS by one clinical laboratory in ClinVar; No published evidence of segregation with disease has been identified for this variant; No published functional evidence has been identified for this variant; No comparable missense variants have previous evidence for pathogenicity; Variant is located in the annotated N-SET domain (DECIPHER); Missense variant with inconclusive in silico prediction and/or uninformative conservation; Loss of function is a known mechanism of disease in this gene and is associated with neurodevelopmental disorder with speech impairment and dysmorphic facies (MIM#619056). The disease mechanism is unknown for early onset epilepsy with or without developmental delay (MIM#619056); Variants in this gene are known to have variable expressivity. Affected individuals have been reported with variable features and severity (OMIM; PMIDs: 32346159, 36117209, 40225914); Parental origin of the variant is unresolved.

Institute of Human Genetics, University of Leipzig Medical Center
Classification: Uncertain significance for Epilepsy, early-onset, with or without developmental delay. Last evaluated: 2022-02-28. Review status: criteria provided, single submitter. Criteria: ACMG Guidelines, 2015. Collection method: clinical testing. Allele origin: unknown. Affected: yes.
Comment: _x000D_ Criteria applied: PM1, PM2_SUP, PP3

Literature cited by the submitters: PubMed 36117209 (cited by Victorian Clinical Genetics Services, Murdoch Childrens Research Institute); PubMed 40225914 (cited by Victorian Clinical Genetics Services, Murdoch Childrens Research Institute); PubMed 32346159 (cited by Victorian Clinical Genetics Services, Murdoch Childrens Research Institute).